The following is an entry in ClinVar:

NM_201384.3(PLEC):c.2228A>C (p.Glu743Ala)

Gene: PLEC (plectin; minus strand). Cytogenetic location: 8q24.3.
Variant type: single nucleotide variant.
Coding change: c.2228A>C on transcript NM_201384.3 (MANE Select); coding-DNA position 2228, A replaced by C.
Protein change: p.Glu743Ala; replaces glutamic acid 743 with alanine.
Molecular consequence: missense variant.
Genome position (GRCh38, 1-based): chr8:143,931,610, T>G on the plus strand (A>C on the coding strand, the complement: PLEC is on the minus strand). VCF-style: chr8-143931610-T-G. GRCh37 (hg19) VCF-style: chr8-145005778-T-G.
Other names: c.2309A>C, p.Glu770Ala (NM_000445.5, NM_001410941.1); c.2186A>C, p.Glu729Ala (NM_201378.4); c.2162A>C, p.Glu721Ala (NM_201379.3); c.2639A>C, p.Glu880Ala (NM_201380.4); c.2132A>C, p.Glu711Ala (NM_201381.3); c.2228A>C, p.Glu743Ala (NM_201382.4); c.2240A>C, p.Glu747Ala (NM_201383.3); short protein forms E711A, E747A, E743A, E721A, E729A, E770A, E880A.
Identifiers: ClinVar variation 2162362 (VCV002162362.4), dbSNP rs1827279203, ClinGen allele CA372576410.

ClinVar aggregate classification (germline): Uncertain significance (1 of 4 stars; one submission).

Conditions:
Epidermolysis bullosa simplex 5B, with muscular dystrophy (EBS5B). Also called: Epidermolysis bullosa simplex with muscular dystrophy; EPIDERMOLYSIS BULLOSA SIMPLEX AND LIMB-GIRDLE MUSCULAR DYSTROPHY. Identifiers: Orphanet 257, MedGen C2931072, MONDO:0009181, OMIM 226670.
Epidermolysis bullosa simplex, Ogna type (EBS5A). Also called: Pidermolysis bullosa simplex 5A, Ogna type; EPIDERMOLYSIS BULLOSA SIMPLEX 5A, OGNA TYPE. Identifiers: Orphanet 79401, MedGen C0432317, MONDO:0007555, OMIM 131950.
Epidermolysis bullosa simplex 5C, with pyloric atresia (EBS5C). Also called: PLEC-Related Epidermolysis Bullosa with Pyloric Atresia; Epidermolysis bullosa simplex with pyloric atresia; PLEC1-Related Epidermolysis Bullosa with Pyloric Atresia. Identifiers: Orphanet 158684, MedGen C2677349, MONDO:0012807, OMIM 612138.
Autosomal recessive limb-girdle muscular dystrophy type 2Q (LGMDR17). Also called: MUSCULAR DYSTROPHY, LIMB-GIRDLE, AUTOSOMAL RECESSIVE 17. Identifiers: Orphanet 254361, MedGen C3150989, MONDO:0013390, OMIM 613723.
Epidermolysis bullosa simplex with nail dystrophy (EBS5D). Identifiers: MedGen C4225309, MONDO:0014661, OMIM 616487.

Allele frequency attached by ClinVar (database versions not stated): TOPMed below 0.00001.

Submission:

Labcorp Genetics (formerly Invitae), Labcorp
Classification: Uncertain significance for Autosomal recessive limb-girdle muscular dystrophy type 2Q; Epidermolysis bullosa simplex, Ogna type; Epidermolysis bullosa simplex with nail dystrophy; Epidermolysis bullosa simplex 5C, with pyloric atresia; Epidermolysis bullosa simplex 5B, with muscular dystrophy. Last evaluated: 2023-05-05. Review status: criteria provided, single submitter. Criteria: Invitae Variant Classification Sherloc (09022015). Collection method: clinical testing. Allele origin: germline.
Comment: This sequence change replaces glutamic acid, which is acidic and polar, with alanine, which is neutral and non-polar, at codon 770 of the PLEC protein (p.Glu770Ala). In summary, the available evidence is currently insufficient to determine the role of this variant in disease. Therefore, it has been classified as a Variant of Uncertain Significance. Advanced modeling of protein sequence and biophysical properties (such as structural, functional, and spatial information, amino acid conservation, physicochemical variation, residue mobility, and thermodynamic stability) performed at Invitae indicates that this missense variant is not expected to disrupt PLEC protein function. ClinVar contains an entry for this variant (Variation ID: 2162362). This variant has not been reported in the literature in individuals affected with PLEC-related conditions. This variant is not present in population databases (gnomAD no frequency).